The following is an entry in ClinVar:

NR_199791.1(RNU2-2):n.99A>G

Genes: RNU2-2 (RNA, U2 small nuclear 2; minus strand), WDR74 (WD repeat domain 74; minus strand). Cytogenetic location: 11q12.3.
Variant type: single nucleotide variant.
Molecular consequence: non-coding transcript variant (on NR_199791.1). On other transcripts: 5 prime UTR variant (1).
Genome position: GRCh38 VCF-style: chr11-62841711-T-C. GRCh37 (hg19) VCF-style: chr11-62609183-T-C.
Other names: NM_001369451.1:c.-440A>G; c.-440A>G (NM_001369451.1).
Identifiers: ClinVar variation 4540497 (VCV004540497.2).
Genomic context (GRCh38, chr11:62,841,711, plus strand): 5'-ACCAGGTCGATGCGTGGAGTGGACGGAGCAAGCTCCTATTCCATCTCCTATTTCCAAAAA[T>C]CCATTTAATATATTGTCCTCGGATAGAGGACGTATCAGATATTAAACTGATAAGAACAGA-3'

ClinVar aggregate classification (germline): Uncertain significance. Review status: criteria provided, multiple submitters, no conflicts (2 of 4 stars). 2 submissions from 2 submitters: Uncertain significance (2). Last evaluated 2026-03-04.

Conditions:
Neurodevelopmental disorder. Identifiers: MedGen C1535926, MeSH D065886, MONDO:0700092.

Submissions (2):

Broad Center for Mendelian Genomics, Broad Institute of MIT and Harvard
Classification: Uncertain significance for Neurodevelopmental disorder. Last evaluated: 2026-03-04. Review status: criteria provided, single submitter. Criteria: ACMG Guidelines, 2015. Collection method: research. Allele origin: germline. Inheritance: Autosomal recessive inheritance. Study: GREGoR Consortium.
Comment: It has also been identified in 0.60% (70/10604) of European (Finnish) chromosomes, including 3 homozygotes, by gnomAD. Furthermore, although this gene has been reported in association with a dominant neurodevelopmental disorder, this association has not been definitively established with a recessive mode of inheritance. In summary, the clinical significance of this variant is uncertain.

Institute for Human Genetics, University Hospital Essen
Classification: Uncertain significance. Last evaluated: 2025-11-27. Review status: criteria provided, single submitter. Criteria: Submitter's publication. Collection method: clinical testing. Allele origin: inherited. Inheritance: Autosomal unknown. Affected: yes. Observed: 1 variant allele, 1 compound heterozygote.
Comment: PM1, PM3, BS2 (criteria rationale detailed in Leitão et al. Nature Genetics 2026)